The following is an entry in ClinVar:

ClinVar aggregate classification (germline): Uncertain significance (1 of 4 stars; one submission).

gnomAD v4.1: 2 of 1,614,118 alleles (0.00012%); highest among the groups gnomAD compares: Non-Finnish European, 0.00017%; no homozygotes.

Submission:

GeneDx
Classification: Uncertain significance. Last evaluated: 2023-12-06. Review status: criteria provided, single submitter. Criteria: GeneDx Variant Classification Process June 2021. Collection method: clinical testing. Allele origin: germline. Affected: yes.
Comment: In silico analysis supports that this missense variant has a deleterious effect on protein structure/function; Has not been previously published as pathogenic or benign to our knowledge

NM_015443.4(KANSL1):c.2672G>A (p.Arg891Gln)

Gene: KANSL1 (KAT8 regulatory NSL complex subunit 1). Cytogenetic location: 17q21.31.
Variant type: single nucleotide variant.
Coding change: c.2672G>A on transcript NM_015443.4 (MANE Select); coding-DNA position 2672, G replaced by A.
Protein change: p.Arg891Gln; replaces arginine 891 with glutamine.
Molecular consequence: missense variant.
Genome position (GRCh38, 1-based): chr17:46,033,455, C>T on the plus strand (G>A on the coding strand, the complement: KANSL1 is on the minus strand). VCF-style: chr17-46033455-C-T. GRCh37 (hg19) VCF-style: chr17-44110821-C-T.
Other names: c.2669G>A, p.Arg890Gln (NM_001193465.2, NM_001405856.1, NM_001405857.1 and 1 more transcripts); c.2672G>A, p.Arg891Gln (NM_001193466.2, NM_001379198.1, NM_001405854.1 and 4 more transcripts); c.2570G>A, p.Arg857Gln (NM_001405859.1, NM_001405860.1); c.2567G>A, p.Arg856Gln (NM_001405861.1, NM_001405881.1); c.2483G>A, p.Arg828Gln (NM_001405875.1, NM_001405876.1, NM_001405877.1 and 1 more transcripts); c.2480G>A, p.Arg827Gln (NM_001405879.1, NM_001405880.1); c.1406G>A, p.Arg469Gln (NM_001405882.1); c.1403G>A, p.Arg468Gln (NM_001405883.1); and 2 more; short protein forms R405Q, R406Q, R468Q, R469Q, R827Q, R828Q, R856Q, R857Q.
Identifiers: ClinVar variation 3364477 (VCV003364477.1).
Genomic context (GRCh38, chr17:46,033,455, plus strand): 5'-GCCATTACCTCTTCATTCTCCTCATCAGGACTCCCCTTCAGAGACTGAAGATCAACCTCC[C>T]GCCAGCTGCAAAACCAAGAACAGACAATCATGAGATGGCAAGCAGGCTAAAACTGGGGGC-3'
Protein context (NP_056258.1, residues 881-901): QYKEILTPSW[Arg891Gln]EVDLQSLKGS